The following is an entry in ClinVar:

NC_012920.1(MT-ATP6):m.8642A>G

Gene: MT-ATP6 (mitochondrially encoded ATP synthase 6; plus strand).
Variant type: single nucleotide variant.
Genome position: chrM-8642-A-G.
Identifiers: ClinVar variation 692938 (VCV000692938.1), dbSNP rs1603221663, ClinGen allele CA414797132.

ClinVar aggregate classification (germline): Benign (1 of 4 stars; one submission).

Conditions:
Leigh syndrome (NULS). Also called: Leigh's necrotizing encephalopathy; Leigh's disease; Leigh Syndrome (mtDNA deletion); Leigh Disease; Subacute necrotizing encephalopathy; Necrotizing encephalopathy infantile subacute of Leigh. Identifiers: Orphanet 506, MedGen C2931891, MONDO:0009723, OMIM 256000.

Submission:

Wong Mito Lab, Molecular and Human Genetics, Baylor College of Medicine
Classification: Benign for Leigh syndrome. Last evaluated: 2019-10-17. Review status: criteria provided, single submitter. Criteria: Modified ACMG Guidelines (Unpublished). Collection method: clinical testing. Allele origin: germline.
Comment: The NC_012920.1:m.8642A>G (YP_003024031.1:p.Asn39Ser) variant in MTATP6 gene is interpretated to be a Benign variant based on the modified ACMG guidelines (unpublished). This variant meets the following evidence codes: BS1, BS4